The following is an entry in ClinVar:

ClinVar aggregate classification (germline): Uncertain significance (1 of 4 stars; one submission).

Conditions:
Christianson syndrome (MRXSCH). Also called: INTELLECTUAL DEVELOPMENTAL DISORDER, X-LINKED, SYNDROMIC, CHRISTIANSON TYPE; X-linked mental retardation, syndromic, Christianson type; SLC9A6-Related Syndromic Mental Retardation. Identifiers: Orphanet 85278, MedGen C2678194, MONDO:0010278, OMIM 300243.

Allele frequency attached by ClinVar (database versions not stated): gnomAD exomes below 0.00001 and 0.00001; gnomAD 0.00002; TOPMed 0.00002; ExAC 0.00001.
gnomAD v4.1: 5 of 1,180,860 alleles (0.00042%); highest among the groups gnomAD compares: Admixed American, 0.0022%; no homozygotes.

Submission:

Labcorp Genetics (formerly Invitae), Labcorp
Classification: Uncertain significance for Christianson syndrome. Last evaluated: 2025-10-07. Review status: criteria provided, single submitter. Criteria: Invitae Variant Classification Sherloc (09022015). Collection method: clinical testing. Allele origin: germline.
Comment: This sequence change replaces asparagine, which is neutral and polar, with serine, which is neutral and polar, at codon 406 of the SLC9A6 protein (p.Asn406Ser). The frequency data for this variant in the population databases is considered unreliable, as metrics indicate poor data quality at this position in the gnomAD database. This variant has not been reported in the literature in individuals affected with SLC9A6-related conditions. ClinVar contains an entry for this variant (Variation ID: 1052390). Invitae Evidence Modeling of protein sequence and biophysical properties (such as structural, functional, and spatial information, amino acid conservation, physicochemical variation, residue mobility, and thermodynamic stability) indicates that this missense variant is not expected to disrupt SLC9A6 protein function with a negative predictive value of 80%. In summary, the available evidence is currently insufficient to determine the role of this variant in disease. Therefore, it has been classified as a Variant of Uncertain Significance.

NM_001379110.1(SLC9A6):c.1157A>G (p.Asn386Ser)

Gene: SLC9A6 (solute carrier family 9 member A6; plus strand). Cytogenetic location: Xq26.3.
Variant type: single nucleotide variant.
Coding change: c.1157A>G on transcript NM_001379110.1 (MANE Select); coding-DNA position 1157, A replaced by G.
Protein change: p.Asn386Ser; replaces asparagine 386 with serine.
Molecular consequence: missense variant.
Genome position (GRCh38, 1-based): chrX:136,016,721, A>G. VCF-style: chrX-136016721-A-G. GRCh37 (hg19) VCF-style: chrX-135098880-A-G.
Other names: c.1313A>G, p.Asn438Ser (NM_001042537.2); c.1157A>G, p.Asn386Ser (NM_001177651.2); c.1061A>G, p.Asn354Ser (NM_001330652.2); c.1217A>G, p.Asn406Ser (NM_006359.3); short protein forms N354S, N386S, N406S, N438S.
Identifiers: ClinVar variation 1052390 (VCV001052390.9), dbSNP rs782772247, ClinGen allele CA10524775.